The following is an entry in ClinVar:

NM_015001.3(SPEN):c.10879_10881del (p.Gln3627del)

Gene: SPEN (spen family transcriptional repressor; plus strand). Cytogenetic location: 1p36.13.
Variant type: Deletion.
Coding change: c.10879_10881del on transcript NM_015001.3 (MANE Select); coding-DNA positions 10879 to 10881, 3 bases deleted (CAG; older notation c.10879_10881delCAG).
Protein change: p.Gln3627del; deletes glutamine 3627.
Molecular consequence: inframe deletion.
Genome position (GRCh38, 1-based): chr1:15,939,311-15,939,313, CAG deleted; deleting any 3 consecutive bases within chr1:15,939,310-15,939,313 gives the same sequence; the c. name uses the placement nearest the transcript's 3' end. VCF-style (leftmost placement, unchanged base first): chr1-15939309-TGCA-T. GRCh37 (hg19) VCF-style: chr1-16265804-TGCA-T.
Other names: short protein forms Q3627del.
Identifiers: ClinVar variation 2662220 (VCV002662220.1), dbSNP rs2523107071, ClinGen allele CA2695197974.

ClinVar aggregate classification (germline): Uncertain significance (1 of 4 stars; one submission).

Submission:

GeneDx
Classification: Uncertain significance. Last evaluated: 2023-05-11. Review status: criteria provided, single submitter. Criteria: GeneDx Variant Classification Process June 2021. Collection method: clinical testing. Allele origin: germline. Affected: yes.
Comment: Not observed at significant frequency in large population cohorts (gnomAD); In-frame deletion of 1 amino acid in a non-repeat region; In silico analysis supports a deleterious effect on protein structure/function; Has not been previously published as pathogenic or benign to our knowledge